The following is an entry in ClinVar:

NM_002470.4(MYH3):c.244C>T (p.Pro82Ser)

Gene: MYH3 (myosin heavy chain 3; minus strand). Cytogenetic location: 17p13.1.
Variant type: single nucleotide variant.
Coding change: c.244C>T on transcript NM_002470.4 (MANE Select); coding-DNA position 244, C replaced by T.
Protein change: p.Pro82Ser; replaces proline 82 with serine.
Molecular consequence: missense variant.
Genome position (GRCh38, 1-based): chr17:10,652,524, G>A on the plus strand (C>T on the coding strand, the complement: MYH3 is on the minus strand). VCF-style: chr17-10652524-G-A. GRCh37 (hg19) VCF-style: chr17-10555841-G-A.
Other names: short protein forms P82S.
Identifiers: ClinVar variation 2135729 (VCV002135729.4), dbSNP rs947693819, ClinGen allele CA287755025.

ClinVar aggregate classification (germline): Uncertain significance (1 of 4 stars; one submission).

Submission:

Labcorp Genetics (formerly Invitae), Labcorp
Classification: Uncertain significance. Last evaluated: 2022-11-08. Review status: criteria provided, single submitter. Criteria: Invitae Variant Classification Sherloc (09022015). Collection method: clinical testing. Allele origin: germline.
Comment: In summary, the available evidence is currently insufficient to determine the role of this variant in disease. Therefore, it has been classified as a Variant of Uncertain Significance. Advanced modeling of protein sequence and biophysical properties (such as structural, functional, and spatial information, amino acid conservation, physicochemical variation, residue mobility, and thermodynamic stability) performed at Invitae indicates that this missense variant is expected to disrupt MYH3 protein function. This variant has not been reported in the literature in individuals affected with MYH3-related conditions. This variant is not present in population databases (gnomAD no frequency). This sequence change replaces proline, which is neutral and non-polar, with serine, which is neutral and polar, at codon 82 of the MYH3 protein (p.Pro82Ser).